The following is an entry in ClinVar:

NM_207361.6(FREM2):c.4530A>G (p.Gln1510=)

Gene: FREM2 (FRAS1 related extracellular matrix 2; plus strand). Cytogenetic location: 13q13.3.
Variant type: single nucleotide variant.
Coding change: c.4530A>G on transcript NM_207361.6 (MANE Select); coding-DNA position 4530, A replaced by G.
Protein change: p.Gln1510=; no amino-acid change (glutamine 1510 retained).
Molecular consequence: synonymous variant.
Genome position (GRCh38, 1-based): chr13:38,691,874, A>G. VCF-style: chr13-38691874-A-G. GRCh37 (hg19) VCF-style: chr13-39266011-A-G.
Other names: c.4530A>G (NM_207361.5).
Identifiers: ClinVar variation 2063997 (VCV002063997.5), dbSNP rs139470655, ClinGen allele CA6955006.

ClinVar aggregate classification (germline): Likely benign. Review status: criteria provided, single submitter (1 of 4 stars). 2 submissions from 2 submitters: Likely benign (1). 1 of the submissions does not count toward it. Last evaluated 2026-01-21.

Conditions:
FREM2-related disorder. Also called: FREM2-related condition.

Allele frequency attached by ClinVar (database versions not stated): ExAC 0.00012; gnomAD 0.00014; TOPMed 0.00014; 1000 Genomes Project 30x 0.00031; ESP Exome Variant Server 0.00031; gnomAD exomes 0.00037; 1000 Genomes Project 0.00040.
gnomAD v4.1: 549 of 1,614,146 alleles (0.034%); highest among the groups gnomAD compares: Non-Finnish European, 0.045%; no homozygotes.

Submissions (2):

Labcorp Genetics (formerly Invitae), Labcorp
Classification: Likely benign. Last evaluated: 2026-01-21. Review status: criteria provided, single submitter. Criteria: Invitae Variant Classification Sherloc (09022015). Collection method: clinical testing. Allele origin: germline.

PreventionGenetics, part of Exact Sciences
Classification: Likely benign for FREM2-related condition. Last evaluated: 2024-03-04. Review status: no assertion criteria provided. Collection method: clinical testing. Allele origin: germline. Not counted in ClinVar's aggregate classification.
Comment: This variant is classified as likely benign based on ACMG/AMP sequence variant interpretation guidelines (Richards et al. 2015 PMID: 25741868, with internal and published modifications).